The following is an entry in ClinVar:

ClinVar aggregate classification (germline): Uncertain significance (1 of 4 stars; one submission).

Conditions:
Inborn genetic diseases. Identifiers: MedGen C0950123, MeSH D030342.

gnomAD v4.1: 1 of 1,609,378 alleles (0.000062%); no homozygotes.

Submission:

Ambry Genetics
Classification: Uncertain significance for Inborn genetic diseases. Last evaluated: 2026-06-18. Review status: criteria provided, single submitter. Criteria: Ambry Variant Classification Scheme 2023. Collection method: clinical testing. Allele origin: germline.
Comment: The p.R114G variant (also known as c.340C>G), located in coding exon 3 of the SMAD2 gene, results from a C to G substitution at nucleotide position 340. The arginine at codon 114 is replaced by glycine, an amino acid with dissimilar properties. This amino acid position is conserved. In addition, this alteration is predicted to be deleterious by in silico analysis. Based on the available evidence, the clinical significance of this variant remains unclear.

NM_005901.6(SMAD2):c.340C>G (p.Arg114Gly)

Gene: SMAD2 (SMAD family member 2; minus strand). Cytogenetic location: 18q21.1.
Variant type: single nucleotide variant.
Coding change: c.340C>G on transcript NM_005901.6 (MANE Select); coding-DNA position 340, C replaced by G.
Protein change: p.Arg114Gly; replaces arginine 114 with glycine.
Molecular consequence: missense variant.
Genome position (GRCh38, 1-based): chr18:47,869,423, G>C on the plus strand (C>G on the coding strand, the complement: SMAD2 is on the minus strand). VCF-style: chr18-47869423-G-C. GRCh37 (hg19) VCF-style: chr18-45395794-G-C.
Other names: c.340C>G, p.Arg114Gly (NM_001003652.4); c.250C>G, p.Arg84Gly (NM_001135937.3); short protein forms R114G, R84G.
Identifiers: ClinVar variation 5029692 (VCV005029692.1).